The following is an entry in ClinVar:

NM_005732.4(RAD50):c.3087_3089del (p.Glu1030del)

Gene: RAD50 (RAD50 double strand break repair protein; plus strand). Cytogenetic location: 5q31.1.
Variant type: Deletion.
Coding change: c.3087_3089del on transcript NM_005732.4 (MANE Select); coding-DNA positions 3087 to 3089, 3 bases deleted (GGA; older notation c.3087_3089delGGA).
Protein change: p.Glu1030del; deletes glutamic acid 1030.
Molecular consequence: inframe deletion.
Genome position (GRCh38, 1-based): chr5:132,616,053-132,616,055, GGA deleted; deleting any 3 consecutive bases within chr5:132,616,051-132,616,055 gives the same sequence; the c. name uses the placement nearest the transcript's 3' end. VCF-style (leftmost placement, unchanged base first): chr5-132616050-TGAG-T. GRCh37 (hg19) VCF-style: chr5-131951742-TGAG-T.
Other names: short protein forms E1030del.
Identifiers: ClinVar variation 185471 (VCV000185471.13), dbSNP rs786202198, ClinGen allele CA192045.

ClinVar aggregate classification (germline): Uncertain significance. Review status: criteria provided, multiple submitters, no conflicts (2 of 4 stars). 2 submissions from 2 submitters: Uncertain significance (2). Last evaluated 2024-09-04.

Conditions:
Hereditary cancer-predisposing syndrome. Also called: Hereditary neoplastic syndrome; Neoplastic Syndromes, Hereditary; Tumor predisposition; Hereditary Cancer Syndrome. Identifiers: Orphanet 140162, MedGen C0027672, MeSH D009386, MONDO:0015356.

Submissions (2):

Labcorp Genetics (formerly Invitae), Labcorp
Classification: Uncertain significance for Hereditary cancer-predisposing syndrome. Last evaluated: 2024-09-04. Review status: criteria provided, single submitter. Criteria: Invitae Variant Classification Sherloc (09022015). Collection method: clinical testing. Allele origin: germline.
Comment: This variant, c.3087_3089del, results in the deletion of 1 amino acid(s) of the RAD50 protein (p.Glu1030del), but otherwise preserves the integrity of the reading frame. This variant is not present in population databases (gnomAD no frequency). This variant has not been reported in the literature in individuals affected with RAD50-related conditions. ClinVar contains an entry for this variant (Variation ID: 185471). Experimental studies and prediction algorithms are not available or were not evaluated, and the functional significance of this variant is currently unknown. In summary, the available evidence is currently insufficient to determine the role of this variant in disease. Therefore, it has been classified as a Variant of Uncertain Significance.

Ambry Genetics
Classification: Uncertain significance for Hereditary cancer-predisposing syndrome. Last evaluated: 2024-08-05. Review status: criteria provided, single submitter. Criteria: Ambry Variant Classification Scheme 2023. Collection method: clinical testing. Allele origin: germline.
Comment: The c.3087_3089delGGA variant (also known as p.E1030del) is located in coding exon 20 of the RAD50 gene. This variant results from an in-frame GGA deletion at nucleotide positions 3087 to 3089. This results in the in-frame deletion of a glutamic acid at codon 1030. This amino acid position is highly conserved in available vertebrate species. In addition, the in silico prediction for this alteration is inconclusive (Choi Y et al. PLoS ONE. 2012; 7(10):e46688). Based on the available evidence, the clinical significance of this variant remains unclear.